The following is an entry in ClinVar:

NM_001008212.2(OPTN):c.1456C>T (p.His486Tyr)

Gene: OPTN (optineurin; plus strand). Cytogenetic location: 10p13.
Variant type: single nucleotide variant.
Coding change: c.1456C>T on transcript NM_001008212.2 (MANE Select); coding-DNA position 1456, C replaced by T.
Protein change: p.His486Tyr; replaces histidine 486 with tyrosine.
Molecular consequence: missense variant.
Genome position (GRCh38, 1-based): chr10:13,132,121, C>T. VCF-style: chr10-13132121-C-T. GRCh37 (hg19) VCF-style: chr10-13174121-C-T.
Other names: c.1456C>T, p.His486Tyr (NM_001008211.1, NM_001008213.1, NM_021980.4); short protein forms H486Y.
Identifiers: ClinVar variation 2936235 (VCV002936235.2), dbSNP rs1564368754, ClinGen allele CA376030272.

ClinVar aggregate classification (germline): Uncertain significance (1 of 4 stars; one submission).

Conditions:
Amyotrophic lateral sclerosis type 12 (ALS12). Also called: AMYOTROPHIC LATERAL SCLEROSIS 12 WITH OR WITHOUT FRONTOTEMPORAL DEMENTIA. Identifiers: Orphanet 803, MedGen C3150692, MONDO:0013264, OMIM 613435.
Glaucoma 1, open angle, E. Identifiers: MedGen C1842026, MONDO:0007665.
Primary open angle glaucoma (POAG). Also called: OPTN-related open angle glaucoma. Identifiers: MedGen C0339573, MONDO:0100553, OMIM 137760.

Allele frequency attached by ClinVar (database versions not stated): gnomAD exomes below 0.00001; TOPMed below 0.00001.
gnomAD v4.1: 2 of 1,613,546 alleles (0.00012%); highest among the groups gnomAD compares: African/African-American, 0.0013%; no homozygotes.

Submission:

Labcorp Genetics (formerly Invitae), Labcorp
Classification: Uncertain significance for Primary open angle glaucoma; Glaucoma 1, open angle, E; Amyotrophic lateral sclerosis type 12. Last evaluated: 2024-01-13. Review status: criteria provided, single submitter. Criteria: Invitae Variant Classification Sherloc (09022015). Collection method: clinical testing. Allele origin: germline.
Comment: This sequence change replaces histidine, which is basic and polar, with tyrosine, which is neutral and polar, at codon 486 of the OPTN protein (p.His486Tyr). This variant is not present in population databases (gnomAD no frequency). This variant has not been reported in the literature in individuals affected with OPTN-related conditions. Advanced modeling of protein sequence and biophysical properties (such as structural, functional, and spatial information, amino acid conservation, physicochemical variation, residue mobility, and thermodynamic stability) performed at Invitae indicates that this missense variant is expected to disrupt OPTN protein function with a positive predictive value of 80%. In summary, the available evidence is currently insufficient to determine the role of this variant in disease. Therefore, it has been classified as a Variant of Uncertain Significance.